The following is an entry in ClinVar:

NM_001458.5(FLNC):c.5472G>A (p.Val1824=)

Genes: FLNC-AS1 (FLNC antisense RNA 1; minus strand), FLNC (filamin C; plus strand). Cytogenetic location: 7q32.1.
Variant type: single nucleotide variant.
Coding change: c.5472G>A on transcript NM_001458.5 (MANE Select); coding-DNA position 5472, G replaced by A.
Protein change: p.Val1824=; no amino-acid change (valine 1824 retained).
Molecular consequence: synonymous variant.
Genome position (GRCh38, 1-based): chr7:128,850,876, G>A. VCF-style: chr7-128850876-G-A. GRCh37 (hg19) VCF-style: chr7-128490930-G-A.
Other names: c.5373G>A, p.Val1791= (NM_001127487.2).
Identifiers: ClinVar variation 3759155 (VCV003759155.2).

ClinVar aggregate classification (germline): Uncertain significance (1 of 4 stars; one submission).

Conditions:
Distal myopathy with posterior leg and anterior hand involvement. Also called: WILLIAMS DISTAL MYOPATHY. Identifiers: Orphanet 63273, MedGen C3279722, MONDO:0013550, OMIM 614065.
Hypertrophic cardiomyopathy 26. Also called: Cardiomyopathy, familial hypertrophic, 26. Identifiers: Orphanet 75249, MedGen C4310749, MONDO:0014883, OMIM 617047.
Myofibrillar myopathy 5. Also called: Filaminopathy (type); FILAMINOPATHY, AUTOSOMAL DOMINANT. Identifiers: Orphanet 171445, MedGen C1836050, MONDO:0012289, OMIM 609524.

Submission:

Labcorp Genetics (formerly Invitae), Labcorp
Classification: Uncertain significance for Distal myopathy with posterior leg and anterior hand involvement; Myofibrillar myopathy 5; Hypertrophic cardiomyopathy 26. Last evaluated: 2024-03-13. Review status: criteria provided, single submitter. Criteria: Invitae Variant Classification Sherloc (09022015). Collection method: clinical testing. Allele origin: germline.
Comment: This sequence change affects codon 1824 of the FLNC mRNA. It is a 'silent' change, meaning that it does not change the encoded amino acid sequence of the FLNC protein. This variant is not present in population databases (gnomAD no frequency). This variant has not been reported in the literature in individuals affected with FLNC-related conditions. Algorithms developed to predict the effect of sequence changes on RNA splicing suggest that this variant may create or strengthen a splice site. In summary, the available evidence is currently insufficient to determine the role of this variant in disease. Therefore, it has been classified as a Variant of Uncertain Significance.